The following is an entry in ClinVar:

ClinVar aggregate classification (germline): Uncertain significance (1 of 4 stars; one submission).

Conditions:
Hereditary cancer-predisposing syndrome. Also called: Tumor predisposition; Hereditary neoplastic syndrome; Neoplastic Syndromes, Hereditary; Hereditary Cancer Syndrome. Identifiers: Orphanet 140162, MedGen C0027672, MeSH D009386, MONDO:0015356.

Submission:

Ambry Genetics
Classification: Uncertain significance for Hereditary cancer-predisposing syndrome. Last evaluated: 2025-05-19. Review status: criteria provided, single submitter. Criteria: Ambry Variant Classification Scheme 2023. Collection method: clinical testing. Allele origin: germline.
Comment: The p.D468N variant (also known as c.1402G>A), located in coding exon 15 of the CDC73 gene, results from a G to A substitution at nucleotide position 1402. The aspartic acid at codon 468 is replaced by asparagine, an amino acid with highly similar properties. This amino acid position is conserved. In addition, this alteration is predicted to be tolerated by in silico analysis. Based on the available evidence, the clinical significance of this variant remains unclear.

NM_024529.5(CDC73):c.1402G>A (p.Asp468Asn)

Gene: CDC73 (cell division cycle 73; plus strand). Cytogenetic location: 1q31.2.
Variant type: single nucleotide variant.
Coding change: c.1402G>A on transcript NM_024529.5 (MANE Select); coding-DNA position 1402, G replaced by A.
Protein change: p.Asp468Asn; replaces aspartic acid 468 with asparagine.
Molecular consequence: missense variant.
Genome position (GRCh38, 1-based): chr1:193,236,341, G>A. VCF-style: chr1-193236341-G-A. GRCh37 (hg19) VCF-style: chr1-193205471-G-A.
Other names: short protein forms D468N.
Identifiers: ClinVar variation 3998687 (VCV003998687.1).